The following is an entry in ClinVar:

NM_006486.3(FBLN1):c.2084A>G (p.His695Arg)

Gene: FBLN1 (fibulin 1; plus strand). Cytogenetic location: 22q13.31.
Variant type: single nucleotide variant.
Coding change: c.2084A>G on transcript NM_006486.3 (MANE Select); coding-DNA position 2084, A replaced by G.
Protein change: p.His695Arg; replaces histidine 695 with arginine.
Molecular consequence: missense variant.
Genome position (GRCh38, 1-based): chr22:45,600,418, A>G. VCF-style: chr22-45600418-A-G. GRCh37 (hg19) VCF-style: chr22-45996298-A-G.
Other names: short protein forms H695R.
Identifiers: ClinVar variation 597782 (VCV000597782.37), dbSNP rs13268, ClinGen allele CA10287402.

ClinVar aggregate classification (germline): Benign. Review status: criteria provided, multiple submitters, no conflicts (2 of 4 stars). 4 submissions from 4 submitters: Benign (4). Last evaluated 2026-07-01.

Allele frequency attached by ClinVar (database versions not stated): 1000 Genomes Project 30x 0.00734; 1000 Genomes Project 0.00739; TOPMed 0.01447; ESP Exome Variant Server 0.01476; ExAC 0.01613; gnomAD exomes 0.01682 and 0.02214; gnomAD 0.01778.
gnomAD v4.1: 34,818 of 1,614,136 alleles (2.2%); highest among the groups gnomAD compares: Non-Finnish European, 2.5%; 487 homozygotes.

Submissions (4):

CeGaT Center for Human Genetics Tuebingen
Classification: Benign. Last evaluated: 2026-07-01. Review status: criteria provided, single submitter. Criteria: CeGaT Center For Human Genetics Tuebingen Variant Classification Criteria Version 2. Collection method: clinical testing. Allele origin: germline. Affected: yes. Observed: 11 variant alleles.
Comment: FBLN1: BS1, BS2

Labcorp Genetics (formerly Invitae), Labcorp
Classification: Benign. Last evaluated: 2026-01-05. Review status: criteria provided, single submitter. Criteria: Invitae Variant Classification Sherloc (09022015). Collection method: clinical testing. Allele origin: germline.

Eurofins Ntd Llc (ga)
Classification: Benign. Last evaluated: 2018-07-12. Review status: criteria provided, single submitter. Criteria: EGL ClinVar v180209 classification definitions. Collection method: clinical testing. Allele origin: germline. Observed: 1 variant allele, 1 heterozygote.

Breakthrough Genomics
Classification: Benign. Review status: criteria provided, single submitter. Criteria: ACMG Guidelines, 2015. Collection method: not provided. Allele origin: germline. Inheritance: Autosomal dominant inheritance. Affected: yes.